The following is an entry in ClinVar:

ClinVar aggregate classification (germline): Likely benign (1 of 4 stars; one submission).

Conditions:
Malignant hyperthermia, susceptibility to, 5 (MHS5). Also called: CACNA1S-Related Malignant Hyperthermia Susceptibility. Identifiers: Orphanet 423, MedGen C1866077, MONDO:0011163, OMIM 601887.

Submission:

All of Us Research Program, National Institutes of Health
Classification: Likely benign for Malignant hyperthermia, susceptibility to, 5. Last evaluated: 2023-06-26. Review status: criteria provided, single submitter. Criteria: ACMG Guidelines, 2015. Collection method: clinical testing. Allele origin: germline. Inheritance: Autosomal dominant inheritance. Observed: 1 variant allele, 1 heterozygote.
Comment: This study involves interpretation of variants in research participants for the purpose of population health screening. Participant phenotype was not available at the time of variant classification. Additional details can be found in publication PMID: 35346344, PMCID: PMC8962531

NM_000069.3(CACNA1S):c.1746G>C (p.Gly582=)

Gene: CACNA1S (calcium voltage-gated channel subunit alpha1 S; minus strand). Cytogenetic location: 1q32.1.
Variant type: single nucleotide variant.
Coding change: c.1746G>C on transcript NM_000069.3 (MANE Select); coding-DNA position 1746, G replaced by C.
Protein change: p.Gly582=; no amino-acid change (glycine 582 retained).
Molecular consequence: synonymous variant.
Genome position (GRCh38, 1-based): chr1:201,077,001, C>G on the plus strand (G>C on the coding strand, the complement: CACNA1S is on the minus strand). VCF-style: chr1-201077001-C-G. GRCh37 (hg19) VCF-style: chr1-201046129-C-G.
Identifiers: ClinVar variation 3071816 (VCV003071816.1), dbSNP rs2464566830, ClinGen allele CA422689412.